The following is an entry in ClinVar:

NM_181507.2(HPS5):c.331A>T (p.Lys111Ter)

Genes: HPS5 (HPS5 biogenesis of lysosomal organelles complex 2 subunit 2; minus strand), LOC130005404 (ATAC-STARR-seq lymphoblastoid active region 4495; plus strand). Cytogenetic location: 11p15.1.
Variant type: single nucleotide variant.
Coding change: c.331A>T on transcript NM_181507.2 (MANE Select); coding-DNA position 331, A replaced by T.
Protein change: p.Lys111Ter; replaces lysine 111 with a stop codon.
Molecular consequence: nonsense. On other transcripts: 5 prime UTR variant (13).
Genome position (GRCh38, 1-based): chr11:18,310,887, T>A on the plus strand (A>T on the coding strand, the complement: HPS5 is on the minus strand). VCF-style: chr11-18310887-T-A. GRCh37 (hg19) VCF-style: chr11-18332434-T-A.
Other names: c.331A>T, p.Lys111Ter (NM_001440902.1, NM_001440903.1, NM_001440904.1 and 6 more transcripts); c.256A>T, p.Lys86Ter (NM_001440907.1, NM_001440908.1, NM_001440909.1); c.220A>T, p.Lys74Ter (NM_001440913.1, NM_001440914.1, NM_001440915.1); c.145A>T, p.Lys49Ter (NM_001440918.1); c.-12A>T (NM_001440920.1, NM_001440921.1, NM_001440922.1 and 10 more transcripts); short protein forms K49*, K74*, K111*, K86*.
Identifiers: ClinVar variation 4719439 (VCV004719439.1).

ClinVar aggregate classification (germline): Pathogenic (1 of 4 stars; one submission).

gnomAD v4.1: 1 of 1,609,586 alleles (0.000062%); highest among the groups gnomAD compares: Non-Finnish European, 0.000085%; no homozygotes.

Submission:

Labcorp Genetics (formerly Invitae), Labcorp
Classification: Pathogenic. Last evaluated: 2025-05-12. Review status: criteria provided, single submitter. Criteria: Invitae Variant Classification Sherloc (09022015). Collection method: clinical testing. Allele origin: germline.
Comment: This sequence change creates a premature translational stop signal (p.Lys111*) in the HPS5 gene. It is expected to result in an absent or disrupted protein product. Loss-of-function variants in HPS5 are known to be pathogenic (PMID: 12548288, 15296495, 21833017, 26785811). This variant is not present in population databases (gnomAD no frequency). This variant has not been reported in the literature in individuals affected with HPS5-related conditions. Algorithms developed to predict the effect of sequence changes on RNA splicing suggest that this variant may disrupt the consensus splice site. For these reasons, this variant has been classified as Pathogenic.

Literature cited by the submitters: PubMed 12548288; PubMed 15296495; PubMed 21833017; PubMed 26785811.